The following is an entry in ClinVar:

ClinVar aggregate classification (germline): Uncertain significance. Review status: criteria provided, multiple submitters, no conflicts (2 of 4 stars). 3 submissions from 3 submitters: Uncertain significance (2). 1 of the submissions does not count toward it. Last evaluated 2024-04-02.

Conditions:
EOMES-related disorder. Also called: EOMES-related condition.

Allele frequency attached by ClinVar (database versions not stated): gnomAD exomes 0.00007 and 0.00010; ExAC 0.00019; ESP Exome Variant Server 0.00025; gnomAD 0.00045 and 0.00047; TOPMed 0.00054; 1000 Genomes Project 30x 0.00094.
gnomAD v4.1: 176 of 1,553,366 alleles (0.011%); highest among the groups gnomAD compares: African/African-American, 0.18%; no homozygotes.

Submissions (3):

GeneDx
Classification: Uncertain significance. Last evaluated: 2024-04-02. Review status: criteria provided, single submitter. Criteria: GeneDx Variant Classification Process June 2021. Collection method: clinical testing. Allele origin: germline. Affected: yes.
Comment: In silico analysis supports that this missense variant has a deleterious effect on protein structure/function; Variants in candidate genes are classified as variants of uncertain significance in accordance with ACMG guidelines (PMID: 25741868); This variant is associated with the following publications: (PMID: 31395947)

Breakthrough Genomics
Classification: Uncertain significance. Review status: criteria provided, single submitter. Criteria: ACMG Guidelines, 2015. Collection method: not provided. Allele origin: germline. Inheritance: Unknown mechanism. Affected: yes.

PreventionGenetics, part of Exact Sciences
Classification: Likely benign for EOMES-related condition. Last evaluated: 2022-08-29. Review status: no assertion criteria provided. Collection method: clinical testing. Allele origin: germline. Not counted in ClinVar's aggregate classification.
Comment: This variant is classified as likely benign based on ACMG/AMP sequence variant interpretation guidelines (Richards et al. 2015 PMID: 25741868, with internal and published modifications).

NM_001278182.2(EOMES):c.692A>G (p.Tyr231Cys)

Gene: EOMES (eomesodermin; minus strand). Cytogenetic location: 3p24.1.
Variant type: single nucleotide variant.
Coding change: c.692A>G on transcript NM_001278182.2 (MANE Select); coding-DNA position 692, A replaced by G.
Protein change: p.Tyr231Cys; replaces tyrosine 231 with cysteine.
Molecular consequence: missense variant. On other transcripts: intron variant (1).
Genome position (GRCh38, 1-based): chr3:27,721,603, T>C on the plus strand (A>G on the coding strand, the complement: EOMES is on the minus strand). VCF-style: chr3-27721603-T-C. GRCh37 (hg19) VCF-style: chr3-27763094-T-C.
Other names: c.692A>G, p.Tyr231Cys (NM_005442.4); c.-5+827A>G (NM_001278183.2); c.692A>G (NM_005442.3); short protein forms Y231C.
Identifiers: ClinVar variation 426870 (VCV000426870.7), dbSNP rs376621022, ClinGen allele CA2292732.